The following is an entry in ClinVar:

ClinVar aggregate classification (germline): Conflicting classifications of pathogenicity. Review status: criteria provided, conflicting classifications (1 of 4 stars). 3 submissions from 3 submitters: Uncertain significance (2); Likely benign (1). Last evaluated 2025-02-26.

Conditions:
Familial adenomatous polyposis 1 (FAP1). Also called: POLYPOSIS, ADENOMATOUS INTESTINAL; FAMILIAL ADENOMATOUS POLYPOSIS 1, ATTENUATED. Identifiers: MedGen C2713442, MONDO:0021056, OMIM 175100. Disease mechanism: loss of function.
Hereditary cancer-predisposing syndrome. Also called: Hereditary neoplastic syndrome; Hereditary Cancer Syndrome; Neoplastic Syndromes, Hereditary; Tumor predisposition. Identifiers: Orphanet 140162, MedGen C0027672, MeSH D009386, MONDO:0015356.

Allele frequency attached by ClinVar (database versions not stated): gnomAD exomes below 0.00001; ExAC 0.00001.
gnomAD v4.1: 6 of 1,613,840 alleles (0.00037%); highest among the groups gnomAD compares: South Asian, 0.0066%; no homozygotes.

Submissions (3):

Labcorp Genetics (formerly Invitae), Labcorp
Classification: Uncertain significance for Familial adenomatous polyposis 1. Last evaluated: 2025-02-26. Review status: criteria provided, single submitter. Criteria: Invitae Variant Classification Sherloc (09022015). Collection method: clinical testing. Allele origin: germline.
Comment: This sequence change replaces aspartic acid, which is acidic and polar, with glutamic acid, which is acidic and polar, at codon 2588 of the APC protein (p.Asp2588Glu). This variant is present in population databases (rs757073062, gnomAD 0.003%). This variant has not been reported in the literature in individuals affected with APC-related conditions. ClinVar contains an entry for this variant (Variation ID: 2773659). Invitae Evidence Modeling of protein sequence and biophysical properties (such as structural, functional, and spatial information, amino acid conservation, physicochemical variation, residue mobility, and thermodynamic stability) indicates that this missense variant is not expected to disrupt APC protein function with a negative predictive value of 95%. In summary, the available evidence is currently insufficient to determine the role of this variant in disease. Therefore, it has been classified as a Variant of Uncertain Significance.

Quest Diagnostics Nichols Institute San Juan Capistrano
Classification: Uncertain significance. Last evaluated: 2025-01-08. Review status: criteria provided, single submitter. Criteria: Quest Diagnostics criteria. Collection method: clinical testing. Allele origin: unknown.
Comment: The APC c.7764T>G (p.Asp2588Glu) variant has not been reported in individuals with APC-related conditions in the published literature. The frequency of this variant in the general population (Genome Aggregation Database) is uninformative in the assessment of its pathogenicity. Analysis of this variant using bioinformatics tools for the prediction of the effect of amino acid changes on protein structure and function yielded predictions that this variant is damaging. Based on the available information, we are unable to determine the clinical significance of this variant.

Color Diagnostics, LLC DBA Color Health
Classification: Likely benign for Hereditary cancer-predisposing syndrome. Last evaluated: 2023-02-07. Review status: criteria provided, single submitter. Criteria: ACMG Guidelines, 2015. Collection method: clinical testing. Allele origin: germline.

NM_000038.6(APC):c.7764T>G (p.Asp2588Glu)

Gene: APC (APC regulator of Wnt signaling pathway; plus strand). Cytogenetic location: 5q22.2.
Variant type: single nucleotide variant.
Coding change: c.7764T>G on transcript NM_000038.6 (MANE Select); coding-DNA position 7764, T replaced by G.
Protein change: p.Asp2588Glu; replaces aspartic acid 2588 with glutamic acid.
Molecular consequence: missense variant. On other transcripts: non-coding transcript variant (2).
Genome position (GRCh38, 1-based): chr5:112,843,358, T>G. VCF-style: chr5-112843358-T-G. GRCh37 (hg19) VCF-style: chr5-112179055-T-G.
Other names: c.7764T>G, p.Asp2588Glu (NM_001127510.3, NM_001354895.2, NM_001407450.1); c.7710T>G, p.Asp2570Glu (NM_001127511.3); c.7818T>G, p.Asp2606Glu (NM_001354896.2, NM_001407447.1, NM_001407448.1 and 1 more transcripts); c.7794T>G, p.Asp2598Glu (NM_001354897.2); c.7689T>G, p.Asp2563Glu (NM_001354898.2); c.7680T>G, p.Asp2560Glu (NM_001354899.2); c.7641T>G, p.Asp2547Glu (NM_001354900.2); c.7587T>G, p.Asp2529Glu (NM_001354901.2, NM_001407453.1); and 12 more; short protein forms D2428E, D2459E, D2487E, D2547E, D2560E, D2570E, D2204E, D2305E.
Identifiers: ClinVar variation 2773659 (VCV002773659.5), dbSNP rs757073062, ClinGen allele CA049085.
Genomic context (GRCh38, chr5:112,843,358, plus strand): 5'-AAGTTCATCTTCAATTCTTTCTGCTTCATCAGAATCCAGTGAAAAAGCAAAAAGTGAGGA[T>G]GAAAAACATGTGAACTCTATTTCAGGAACCAAACAAAGTAAAGAAAACCAAGTATCCGCA-3'
Protein context (NP_000029.2, residues 2578-2598): SESSEKAKSE[Asp2588Glu]EKHVNSISGT